The following is an entry in ClinVar:

NM_001868.4(CPA1):c.159G>C (p.Trp53Cys)

Gene: CPA1 (carboxypeptidase A1; plus strand). Cytogenetic location: 7q32.2.
Variant type: single nucleotide variant.
Coding change: c.159G>C on transcript NM_001868.4 (MANE Select); coding-DNA position 159, G replaced by C.
Protein change: p.Trp53Cys; replaces tryptophan 53 with cysteine.
Molecular consequence: missense variant.
Genome position (GRCh38, 1-based): chr7:130,381,641, G>C. VCF-style: chr7-130381641-G-C. GRCh37 (hg19) VCF-style: chr7-130021482-G-C.
Other names: short protein forms W53C.
Identifiers: ClinVar variation 819607 (VCV000819607.5), dbSNP rs782384499, ClinGen allele CA4484719.

ClinVar aggregate classification (germline): Uncertain significance (1 of 4 stars; one submission).

Conditions:
Hereditary pancreatitis (PCTT). Also called: Hereditary chronic pancreatitis; PRSS1-Related Hereditary Pancreatitis. Identifiers: Orphanet 676, MedGen C0238339, MONDO:0008185, OMIM 167800.

Allele frequency attached by ClinVar (database versions not stated): gnomAD exomes below 0.00001 and 0.00001; ExAC 0.00001; TOPMed 0.00001.

Submission:

Ambry Genetics
Classification: Uncertain significance for Hereditary pancreatitis. Last evaluated: 2024-09-08. Review status: criteria provided, single submitter. Criteria: Ambry Variant Classification Scheme 2023. Collection method: clinical testing. Allele origin: germline.
Comment: The p.W53C variant (also known as c.159G>C), located in coding exon 3 of the CPA1 gene, results from a G to C substitution at nucleotide position 159. The tryptophan at codon 53 is replaced by cysteine, an amino acid with highly dissimilar properties. This amino acid position is highly conserved in available vertebrate species. In addition, this alteration is predicted to be deleterious by in silico analysis. Since supporting evidence is limited at this time, the clinical significance of this alteration remains unclear.